The following is an entry in ClinVar:

ClinVar aggregate classification (germline): Likely benign (1 of 4 stars; one submission).

Allele frequency attached by ClinVar (database versions not stated): ESP Exome Variant Server 0.00008; gnomAD exomes 0.00013; ExAC 0.00018; gnomAD 0.00018; TOPMed 0.00024.
gnomAD v4.1: 255 of 1,613,440 alleles (0.016%); highest among the groups gnomAD compares: Middle Eastern, 0.38%; 3 homozygotes.

Submission:

CeGaT Center for Human Genetics Tuebingen
Classification: Likely benign. Last evaluated: 2022-12-01. Review status: criteria provided, single submitter. Criteria: CeGaT Center For Human Genetics Tuebingen Variant Classification Criteria Version 2. Collection method: clinical testing. Allele origin: germline. Affected: yes. Observed: 1 variant allele.
Comment: PPP1R13B: BP4, BP7

NM_015316.3(PPP1R13B):c.2271T>C (p.Asp757=)

Gene: PPP1R13B (protein phosphatase 1 regulatory subunit 13B; minus strand). Cytogenetic location: 14q32.33.
Variant type: single nucleotide variant.
Coding change: c.2271T>C on transcript NM_015316.3 (MANE Select); coding-DNA position 2271, T replaced by C.
Protein change: p.Asp757=; no amino-acid change (aspartic acid 757 retained).
Molecular consequence: synonymous variant.
Genome position (GRCh38, 1-based): chr14:103,740,145, A>G on the plus strand (T>C on the coding strand, the complement: PPP1R13B is on the minus strand). VCF-style: chr14-103740145-A-G. GRCh37 (hg19) VCF-style: chr14-104206482-A-G.
Identifiers: ClinVar variation 2644592 (VCV002644592.24), dbSNP rs375262577, ClinGen allele CA7367443.
Genomic context (GRCh38, chr14:103,740,145, plus strand): 5'-GGGCTGGGCAGGGGGGAGCTCTTCCAGGTTTCCATTGGCATTGGTGTTTCCATTGTCCAC[A>G]TCGGCCAAGGTGCCCATGAAGTCCTGGGAGGGGCTGGGCTGGTAGAAAGGGGTGCCCTCC-3'
Protein context (NP_056131.2, residues 747-767): PSQDFMGTLA[Asp757=]VDNGNTNANG